The following is an entry in ClinVar:

ClinVar aggregate classification (germline): Likely benign. Review status: criteria provided, single submitter (1 of 4 stars). 2 submissions from 2 submitters: Likely benign (1). 1 of the submissions does not count toward it. Last evaluated 2026-01-28.

Conditions:
SLC6A5-related disorder. Also called: SLC6A5-related condition.
Hyperekplexia 3 (HKPX3). Also called: HYPEREKPLEXIA 3, AUTOSOMAL RECESSIVE; HYPEREKPLEXIA 3, AUTOSOMAL DOMINANT. Identifiers: Orphanet 3197, MedGen C3553288, MONDO:0013827, OMIM 614618.

Allele frequency attached by ClinVar (database versions not stated): gnomAD exomes 0.00004 and 0.00014; ExAC 0.00014; 1000 Genomes Project 30x 0.00047; gnomAD 0.00054 and 0.00060; ESP Exome Variant Server 0.00064; TOPMed 0.00069.

Submissions (2):

Labcorp Genetics (formerly Invitae), Labcorp
Classification: Likely benign for Hyperekplexia 3. Last evaluated: 2026-01-28. Review status: criteria provided, single submitter. Criteria: Invitae Variant Classification Sherloc (09022015). Collection method: clinical testing. Allele origin: germline.

PreventionGenetics, part of Exact Sciences
Classification: Likely benign for SLC6A5-related condition. Last evaluated: 2022-08-10. Review status: no assertion criteria provided. Collection method: clinical testing. Allele origin: germline. Not counted in ClinVar's aggregate classification.
Comment: This variant is classified as likely benign based on ACMG/AMP sequence variant interpretation guidelines (Richards et al. 2015 PMID: 25741868, with internal and published modifications).

NM_004211.5(SLC6A5):c.1738-8_1738-7del

Gene: SLC6A5 (solute carrier family 6 member 5; plus strand). Cytogenetic location: 11p15.1.
Variant type: Deletion.
Coding change: c.1738-8_1738-7del on transcript NM_004211.5 (MANE Select); 8 bases into the intron before coding-DNA position 1738 through 7 bases into the intron before coding-DNA position 1738, 2 bases deleted (GG; older notation c.1738-8_1738-7delGG).
Molecular consequence: intron variant.
Genome position (GRCh38, 1-based): chr11:20,637,164-20,637,165, GG deleted. VCF-style (leftmost placement, unchanged base first): chr11-20637163-CGG-C. GRCh37 (hg19) VCF-style: chr11-20658709-CGG-C.
Other names: c.1738-8_1738-7delGG (NM_004211.4); c.1036-8_1036-7del (NM_001318369.2).
Identifiers: ClinVar variation 1140000 (VCV001140000.11), dbSNP rs771768092, ClinGen allele CA5921571.